The following is an entry in ClinVar:

ClinVar aggregate classification (germline): Benign/Likely benign. Review status: criteria provided, multiple submitters, no conflicts (2 of 4 stars). 13 submissions from 13 submitters: Benign (8); Likely benign (1). 4 of the submissions do not count toward it. Last evaluated 2026-02-03.

Conditions:
Cardiomyopathy (CMYO). Also called: Cardiomyopathies. Identifiers: Orphanet 167848, MedGen C0878544, MONDO:0004994, HP:0001638. Inheritance: Various modes of inheritance.
Arrhythmogenic right ventricular dysplasia 10. Also called: Arrhythmogenic Right Ventricular Dysplasia/Cardiomyopathy10; ARRHYTHMOGENIC RIGHT VENTRICULAR DYSPLASIA, FAMILIAL, 10; Arrhythmogenic right ventricular dysplasia/cardiomyopathy, type 10. Identifiers: MedGen C1857777, MONDO:0012434, OMIM 610193.

Allele frequency attached by ClinVar (database versions not stated): gnomAD exomes 0.00026 and 0.00060; ExAC 0.00083; gnomAD 0.00272 and 0.00288; ESP Exome Variant Server 0.00282; 1000 Genomes Project 0.00319; TOPMed 0.00320; 1000 Genomes Project 30x 0.00359.
gnomAD v4.1: 805 of 1,614,138 alleles (0.05%); highest among the groups gnomAD compares: African/African-American, 0.89%; 4 homozygotes.

Submissions (13):

Labcorp Genetics (formerly Invitae), Labcorp
Classification: Benign for Arrhythmogenic right ventricular dysplasia 10. Last evaluated: 2026-02-03. Review status: criteria provided, single submitter. Criteria: Invitae Variant Classification Sherloc (09022015). Collection method: clinical testing. Allele origin: germline.

Molecular Diagnostic Laboratory for Inherited Cardiovascular Disease, Montreal Heart Institute
Classification: Benign. Last evaluated: 2025-04-09. Review status: criteria provided, single submitter. Criteria: ACMG Guidelines, 2015. Collection method: clinical testing. Allele origin: germline. Affected: no.

Blueprint Genetics
Classification: Likely benign. Last evaluated: 2024-09-04. Review status: criteria provided, single submitter. Criteria: ACMG Guidelines, 2015. Collection method: clinical testing. Allele origin: germline.

Mayo Clinic Laboratories, Mayo Clinic
Classification: Benign. Last evaluated: 2024-07-31. Review status: criteria provided, single submitter. Criteria: ACMG Guidelines, 2015. Collection method: clinical testing. Allele origin: germline. Observed: 5 variant alleles.
Comment: BS1, BS2, BP4, BP7

CHEO Genetics Diagnostic Laboratory, Children's Hospital of Eastern Ontario
Classification: Benign for Cardiomyopathy. Last evaluated: 2023-06-07. Review status: criteria provided, single submitter. Criteria: ACMG Guidelines, 2015. Collection method: clinical testing. Allele origin: germline.

Color Diagnostics, LLC DBA Color Health
Classification: Benign for Cardiomyopathy. Last evaluated: 2018-06-04. Review status: criteria provided, single submitter. Criteria: ACMG Guidelines, 2015. Collection method: clinical testing. Allele origin: germline.

GeneDx
Classification: Benign. Last evaluated: 2013-05-29. Review status: criteria provided, single submitter. Criteria: GeneDx Variant Classification (06012015). Collection method: clinical testing. Allele origin: germline. Affected: yes.
Comment: This variant is considered likely benign or benign based on one or more of the following criteria: it is a conservative change, it occurs at a poorly conserved position in the protein, it is predicted to be benign by multiple in silico algorithms, and/or has population frequency not consistent with disease.

Laboratory for Molecular Medicine, Mass General Brigham Personalized Medicine
Classification: Benign. Last evaluated: 2012-02-09. Review status: criteria provided, single submitter. Criteria: LMM Criteria. Collection method: clinical testing. Allele origin: germline. Observed: 4 variant alleles.
Comment: 27/3346 AA chromosomes (0.8%) - ESP/NHLBI

Breakthrough Genomics
Classification: Benign. Review status: criteria provided, single submitter. Criteria: ACMG Guidelines, 2015. Collection method: not provided. Allele origin: germline. Inheritance: Autosomal recessive inheritance. Affected: yes.

Clinical Genetics DNA and cytogenetics Diagnostics Lab, Erasmus MC, Erasmus Medical Center
Classification: Likely benign. Review status: no assertion criteria provided. Collection method: clinical testing. Allele origin: germline. Affected: yes. Study: VKGL Data-share Consensus. Not counted in ClinVar's aggregate classification.

Clinical Genetics, Academic Medical Center
Classification: Benign. Review status: no assertion criteria provided. Collection method: clinical testing. Allele origin: germline. Affected: yes. Study: VKGL Data-share Consensus. Not counted in ClinVar's aggregate classification.

Diagnostic Laboratory, Department of Genetics, University Medical Center Groningen
Classification: Likely benign. Review status: no assertion criteria provided. Collection method: clinical testing. Allele origin: germline. Affected: yes. Study: VKGL Data-share Consensus. Not counted in ClinVar's aggregate classification.

Genome Diagnostics Laboratory, University Medical Center Utrecht
Classification: Likely benign. Review status: no assertion criteria provided. Collection method: clinical testing. Allele origin: germline. Affected: yes. Study: VKGL Data-share Consensus. Not counted in ClinVar's aggregate classification.

NM_001943.5(DSG2):c.2211C>T (p.Gly737=)

Genes: DSG2 (desmoglein 2; plus strand), DSG2-AS1 (DSG2 antisense RNA 1; minus strand). Cytogenetic location: 18q12.1.
Variant type: single nucleotide variant.
Coding change: c.2211C>T on transcript NM_001943.5 (MANE Select); coding-DNA position 2211, C replaced by T.
Protein change: p.Gly737=; no amino-acid change (glycine 737 retained).
Molecular consequence: synonymous variant.
Genome position (GRCh38, 1-based): chr18:31,542,729, C>T. VCF-style: chr18-31542729-C-T. GRCh37 (hg19) VCF-style: chr18-29122692-C-T.
Other names: p.G737G:GGC>GGT; p.Gly737=.
Identifiers: ClinVar variation 44297 (VCV000044297.28), dbSNP rs74578148, ClinGen allele CA021713.